The following is an entry in ClinVar:

ClinVar aggregate classification (germline): Uncertain significance (1 of 4 stars; one submission).

Conditions:
Developmental and epileptic encephalopathy. Identifiers: MedGen C5779964, MONDO:0100620.

Submission:

Labcorp Genetics (formerly Invitae), Labcorp
Classification: Uncertain significance for Early-infantile DEE. Last evaluated: 2022-12-06. Review status: criteria provided, single submitter. Criteria: Invitae Variant Classification Sherloc (09022015). Collection method: clinical testing. Allele origin: germline.
Comment: In summary, the available evidence is currently insufficient to determine the role of this variant in disease. Therefore, it has been classified as a Variant of Uncertain Significance. Experimental studies and prediction algorithms are not available or were not evaluated, and the functional significance of this variant is currently unknown. A similar copy number variant has been observed in individual(s) with clinical features of KCNQ2-related conditions (Invitae). This variant results in a copy number gain of the genomic region encompassing exon(s) 2-10 of the KCNQ2 gene. While the exact position of this variant cannot be determined from the data, sub-genic copy number gains are generally in tandem (PMID: 25640679). This variant is predicted to be in-frame, and likely preserves the integrity of the reading frame.

Literature cited by the submitters: PubMed 25640679.

NC_000020.10:g.(?_62059700)_(62078210_?)dup

Gene: KCNQ2 (potassium voltage-gated channel subfamily Q member 2; minus strand). Cytogenetic location: 20q13.33.
Variant type: Duplication.
Identifiers: ClinVar variation 1449863 (VCV001449863.5).